The following is an entry in ClinVar:

ClinVar aggregate classification (germline): Likely benign. Review status: criteria provided, multiple submitters, no conflicts (2 of 4 stars). 2 submissions from 2 submitters: Likely benign (2). Last evaluated 2024-10-19.

Allele frequency attached by ClinVar (database versions not stated): TOPMed 0.00001; gnomAD 0.00007; gnomAD exomes 0.00007 and 0.00016; ExAC 0.00019.

Submissions (2):

Labcorp Genetics (formerly Invitae), Labcorp
Classification: Likely benign. Last evaluated: 2024-10-19. Review status: criteria provided, single submitter. Criteria: Invitae Variant Classification Sherloc (09022015). Collection method: clinical testing. Allele origin: germline.

CeGaT Center for Human Genetics Tuebingen
Classification: Likely benign. Last evaluated: 2022-05-01. Review status: criteria provided, single submitter. Criteria: CeGaT Center For Human Genetics Tuebingen Variant Classification Criteria Version 2. Collection method: clinical testing. Allele origin: germline. Affected: yes. Observed: 1 variant allele.
Comment: RDX: BP4

NM_002906.4(RDX):c.652C>T (p.Leu218=)

Gene: RDX (radixin; minus strand). Cytogenetic location: 11q22.3.
Variant type: single nucleotide variant.
Coding change: c.652C>T on transcript NM_002906.4 (MANE Select); coding-DNA position 652, C replaced by T.
Protein change: p.Leu218=; no amino-acid change (leucine 218 retained).
Molecular consequence: synonymous variant. On other transcripts: intron variant (2).
Genome position (GRCh38, 1-based): chr11:110,257,813, G>A on the plus strand (C>T on the coding strand, the complement: RDX is on the minus strand). VCF-style: chr11-110257813-G-A. GRCh37 (hg19) VCF-style: chr11-110128538-G-A.
Other names: c.652C>T, p.Leu218= (NM_001260492.2, NM_001260493.2); c.244C>T, p.Leu82= (NM_001260494.2); c.-82-9980C>T (NM_001260495.2); c.404+344C>T (NM_001260496.2).
Identifiers: ClinVar variation 1694647 (VCV001694647.34), dbSNP rs749888868, ClinGen allele CA6270260.